The following is an entry in ClinVar:

NM_006648.4(WNK2):c.2963C>T (p.Pro988Leu)

Gene: WNK2 (WNK lysine deficient protein kinase 2; plus strand). Cytogenetic location: 9q22.31.
Variant type: single nucleotide variant.
Coding change: c.2963C>T on transcript NM_006648.4 (MANE Select); coding-DNA position 2963, C replaced by T.
Protein change: p.Pro988Leu; replaces proline 988 with leucine.
Molecular consequence: missense variant.
Genome position (GRCh38, 1-based): chr9:93,259,511, C>T. VCF-style: chr9-93259511-C-T. GRCh37 (hg19) VCF-style: chr9-96021793-C-T.
Other names: c.2963C>T, p.Pro988Leu (NM_001282394.3); short protein forms P988L.
Identifiers: ClinVar variation 3816931 (VCV003816931.1).
Genomic context (GRCh38, chr9:93,259,511, plus strand): 5'-TGCCCCCGCAACCCACACGGCCCCCTCAACCTGTGCTGCCCCCGCAACCCATGCTGCCCC[C>T]ACAACCTGTGCTGCCCCCGCAGCCGGCACTGCCTGTGCGCCCTGAGCCCCTCCAGCCCCA-3'
Protein context (NP_006639.3, residues 978-998): PVLPPQPMLP[Pro988Leu]QPVLPPQPAL

ClinVar aggregate classification (germline): Uncertain significance (1 of 4 stars; one submission).

Submission:

Ambry Genetics
Classification: Uncertain significance. Last evaluated: 2025-01-27. Review status: criteria provided, single submitter. Criteria: Ambry Variant Classification Scheme 2023. Collection method: clinical testing. Allele origin: germline.
Comment: The p.P988L variant (also known as c.2963C>T), located in coding exon 11 of the WNK2 gene, results from a C to T substitution at nucleotide position 2963. The proline at codon 988 is replaced by leucine, an amino acid with similar properties. This amino acid position is conserved. In addition, this alteration is predicted to be tolerated by in silico analysis. Based on the available evidence, the clinical significance of this variant remains unclear.